The following is an entry in ClinVar:

NM_004064.5(CDKN1B):c.280C>T (p.Pro94Ser)

Gene: CDKN1B (cyclin dependent kinase inhibitor 1B; plus strand). Cytogenetic location: 12p13.1.
Variant type: single nucleotide variant.
Coding change: c.280C>T on transcript NM_004064.5 (MANE Select); coding-DNA position 280, C replaced by T.
Protein change: p.Pro94Ser; replaces proline 94 with serine.
Molecular consequence: missense variant.
Genome position (GRCh38, 1-based): chr12:12,718,119, C>T. VCF-style: chr12-12718119-C-T. GRCh37 (hg19) VCF-style: chr12-12871053-C-T.
Other names: short protein forms P94S.
Identifiers: ClinVar variation 469014 (VCV000469014.18), dbSNP rs146217922, ClinGen allele CA6457443.

ClinVar aggregate classification (germline): Conflicting classifications of pathogenicity. Review status: criteria provided, conflicting classifications (1 of 4 stars). 6 submissions from 6 submitters: Uncertain significance (5); Benign (1). Last evaluated 2026-01-26.

Conditions:
CDKN1B-related disorder. Also called: CDKN1B-related condition.
Hereditary cancer-predisposing syndrome. Also called: Tumor predisposition; Hereditary neoplastic syndrome; Neoplastic Syndromes, Hereditary; Hereditary Cancer Syndrome. Identifiers: Orphanet 140162, MedGen C0027672, MeSH D009386, MONDO:0015356.
Multiple endocrine neoplasia type 4. Also called: MULTIPLE ENDOCRINE NEOPLASIA, TYPE IV. Identifiers: Orphanet 276152, MedGen C1970712, MONDO:0012552, OMIM 610755.

Allele frequency attached by ClinVar (database versions not stated): ExAC 0.00002; gnomAD exomes 0.00002 and 0.00003; gnomAD 0.00003; TOPMed 0.00003; ESP Exome Variant Server 0.00008.

Submissions (6):

Labcorp Genetics (formerly Invitae), Labcorp
Classification: Uncertain significance for Multiple endocrine neoplasia type 4. Last evaluated: 2026-01-26. Review status: criteria provided, single submitter. Criteria: Invitae Variant Classification Sherloc (09022015). Collection method: clinical testing. Allele origin: germline.
Comment: This sequence change replaces proline, which is neutral and non-polar, with serine, which is neutral and polar, at codon 94 of the CDKN1B protein (p.Pro94Ser). This variant is present in population databases (rs146217922, gnomAD 0.006%). This missense change has been observed in individual(s) with primary hyperparathyroidism (PMID: 32761341). ClinVar contains an entry for this variant (Variation ID: 469014). An algorithm developed to predict the effect of missense changes on protein structure and function (PolyPhen-2) suggests that this variant is likely to be tolerated. In summary, the available evidence is currently insufficient to determine the role of this variant in disease. Therefore, it has been classified as a Variant of Uncertain Significance.

PreventionGenetics, part of Exact Sciences
Classification: Uncertain significance for CDKN1B-related condition. Last evaluated: 2024-12-30. Review status: criteria provided, single submitter. Criteria: ACMG Guidelines, 2015. Collection method: clinical testing. Allele origin: germline.
Comment: The CDKN1B c.280C>T variant is predicted to result in the amino acid substitution p.Pro94Ser. This variant was reported in a patient with primary hyperparathyroidism and it was considered as a variant of uncertain significance (Khairi et al 2020. PubMed ID: 32761341). This variant is reported in 0.0056% of alleles in individuals of Latino descent in gnomAD and has conflicting interpretations regarding its pathogenicity in ClinVar, ranging from benign (1) to uncertain (4). At this time, the clinical significance of this variant is uncertain due to the absence of conclusive functional and genetic evidence.

GeneDx
Classification: Uncertain significance. Last evaluated: 2024-06-10. Review status: criteria provided, single submitter. Criteria: GeneDx Variant Classification Process June 2021. Collection method: clinical testing. Allele origin: germline. Affected: yes.
Comment: In silico analysis indicates that this missense variant does not alter protein structure/function; Observed in an individual with a personal or family history of primary hyperparathyroidism (PMID: 32761341); This variant is associated with the following publications: (PMID: 32761341)

Baylor Genetics
Classification: Uncertain significance for Multiple endocrine neoplasia type 4. Last evaluated: 2024-02-06. Review status: criteria provided, single submitter. Criteria: ACMG Guidelines, 2015. Collection method: clinical testing. Allele origin: unknown.

Ambry Genetics
Classification: Benign for Hereditary cancer-predisposing syndrome. Last evaluated: 2023-12-05. Review status: criteria provided, single submitter. Criteria: Ambry Variant Classification Scheme 2023. Collection method: clinical testing. Allele origin: germline.

Fulgent Genetics
Classification: Uncertain significance for Multiple endocrine neoplasia type 4. Last evaluated: 2022-05-25. Review status: criteria provided, single submitter. Criteria: ACMG Guidelines, 2015. Collection method: clinical testing. Allele origin: unknown.

Literature cited by the submitters: PubMed 32761341 (cited by Labcorp Genetics (formerly Invitae), Labcorp).